The following is an entry in ClinVar:

ClinVar aggregate classification (germline): Uncertain significance (1 of 4 stars; one submission).

Conditions:
Familial thoracic aortic aneurysm and aortic dissection (TAAD). Also called: Thoracic aortic aneurysms and dissections. Identifiers: Orphanet 91387, MedGen C4707243, MONDO:0019625.

Allele frequency attached by ClinVar (database versions not stated): gnomAD exomes below 0.00001; ExAC 0.00001.
gnomAD v4.1: 1 of 1,614,134 alleles (0.000062%); highest among the groups gnomAD compares: Non-Finnish European, 0.000085%; no homozygotes.

Submission:

All of Us Research Program, National Institutes of Health
Classification: Uncertain significance for Familial thoracic aortic aneurysm and aortic dissection. Last evaluated: 2023-12-18. Review status: criteria provided, single submitter. Criteria: ACMG Guidelines, 2015. Collection method: clinical testing. Allele origin: germline. Inheritance: Autosomal dominant inheritance. Observed: 1 variant allele, 1 heterozygote.
Comment: This variant causes a T to C nucleotide substitution at the intron 22 +2 canonical splice donor site of the MYH11 gene. Splice prediction tools suggest that this variant may disrupt RNA splicing. To our knowledge, functional studies have not been reported for this variant. This variant has not been reported in individuals affected with MYH11-related disorders in the literature. This variant has been identified in 1/251472 chromosomes in the general population by the Genome Aggregation Database (gnomAD). Clinical significance of loss-of-function MYH11 truncation and splice variants in autosomal dominant cardiovascular disorders is not clearly established. The available evidence is insufficient to determine the role of this variant in disease conclusively. Therefore, this variant is classified as a Variant of Uncertain Significance.

This study involves interpretation of variants in research participants for the purpose of population health screening. Participant phenotype was not available at the time of variant classification. Additional details can be found in publication PMID: 35346344, PMCID: PMC8962531

NM_002474.3(MYH11):c.2652+2T>C

Gene: MYH11 (myosin heavy chain 11; minus strand). Cytogenetic location: 16p13.11.
Variant type: single nucleotide variant.
Coding change: c.2652+2T>C on transcript NM_002474.3 (MANE Select); the canonical splice donor site of the intron after coding-DNA position 2652, T replaced by C.
Molecular consequence: splice donor variant.
Genome position (GRCh38, 1-based): chr16:15,741,758, A>G on the plus strand (T>C on the coding strand, the complement: MYH11 is on the minus strand). VCF-style: chr16-15741758-A-G. GRCh37 (hg19) VCF-style: chr16-15835615-A-G.
Other names: c.2652+2T>C (NM_022844.3); c.2673+2T>C (NM_001040114.2, NM_001040113.2).
Identifiers: ClinVar variation 3075135 (VCV003075135.1), dbSNP rs750572008, ClinGen allele CA7922215.